The following is an entry in ClinVar:

ClinVar aggregate classification (germline): Uncertain significance. Review status: criteria provided, multiple submitters, no conflicts (2 of 4 stars). 2 submissions from 2 submitters: Uncertain significance (2). Last evaluated 2025-04-12.

Conditions:
Acute myeloid leukemia (AML). Also called: Acute myeloid leukemia, adult; AML adult; Acute non-lymphocytic leukemia; Acute granulocytic leukemia; Leukemia, acute myeloid, somatic; Leukemia, acute myelogenous, somatic. Identifiers: Orphanet 519, MedGen C0023467, MeSH D015470, MONDO:0018874, OMIM 601626, HP:0004808. Disease mechanism: Constitutively activated FLT3.
Inborn genetic diseases. Identifiers: MedGen C0950123, MeSH D030342.

Allele frequency attached by ClinVar (database versions not stated): TOPMed 0.00001.

Submissions (2):

Ambry Genetics
Classification: Uncertain significance for Inborn genetic diseases. Last evaluated: 2025-04-12. Review status: criteria provided, single submitter. Criteria: Ambry Variant Classification Scheme 2023. Collection method: clinical testing. Allele origin: germline.
Comment: The p.A244T variant (also known as c.730G>A), located in coding exon 1 of the CEBPA gene, results from a G to A substitution at nucleotide position 730. The alanine at codon 244 is replaced by threonine, an amino acid with similar properties. This amino acid position is conserved. In addition, this alteration is predicted to be tolerated by in silico analysis. Based on the available evidence, the clinical significance of this variant remains unclear.

Labcorp Genetics (formerly Invitae), Labcorp
Classification: Uncertain significance for Acute myeloid leukemia. Last evaluated: 2021-08-31. Review status: criteria provided, single submitter. Criteria: Invitae Variant Classification Sherloc (09022015). Collection method: clinical testing. Allele origin: germline.
Comment: In summary, the available evidence is currently insufficient to determine the role of this variant in disease. Therefore, it has been classified as a Variant of Uncertain Significance. Algorithms developed to predict the effect of missense changes on protein structure and function output the following: SIFT: "Tolerated"; PolyPhen-2: "Benign"; Align-GVGD: "Class C0". The threonine amino acid residue is found in multiple mammalian species, which suggests that this missense change does not adversely affect protein function. This variant has not been reported in the literature in individuals affected with CEBPA-related conditions. The frequency data for this variant in the population databases is considered unreliable, as metrics indicate insufficient coverage at this position in the ExAC database. This sequence change replaces alanine with threonine at codon 244 of the CEBPA protein (p.Ala244Thr). The alanine residue is weakly conserved and there is a small physicochemical difference between alanine and threonine.

NM_004364.5(CEBPA):c.730G>A (p.Ala244Thr)

Gene: CEBPA (CCAAT enhancer binding protein alpha; minus strand). Cytogenetic location: 19q13.11.
Variant type: single nucleotide variant.
Coding change: c.730G>A on transcript NM_004364.5 (MANE Select); coding-DNA position 730, G replaced by A.
Protein change: p.Ala244Thr; replaces alanine 244 with threonine.
Molecular consequence: missense variant.
Genome position (GRCh38, 1-based): chr19:33,301,685, C>T on the plus strand (G>A on the coding strand, the complement: CEBPA is on the minus strand). VCF-style: chr19-33301685-C-T. GRCh37 (hg19) VCF-style: chr19-33792591-C-T.
Other names: c.373G>A, p.Ala125Thr (NM_001285829.2); c.835G>A, p.Ala279Thr (NM_001287424.2); c.688G>A, p.Ala230Thr (NM_001287435.2); c.730G>A (NM_004364.3); short protein forms A125T, A244T, A279T, A230T.
Identifiers: ClinVar variation 853790 (VCV000853790.9), dbSNP rs957444896, ClinGen allele CA307844229.